The following is an entry in ClinVar:

ClinVar aggregate classification (germline): Likely benign (1 of 4 stars; one submission).

Allele frequency attached by ClinVar (database versions not stated): gnomAD 0.00001; gnomAD exomes 0.00001; TOPMed 0.00001.
gnomAD v4.1: 9 of 1,613,936 alleles (0.00056%); highest among the groups gnomAD compares: Middle Eastern, 0.016%; no homozygotes.

Submission:

CeGaT Center for Human Genetics Tuebingen
Classification: Likely benign. Last evaluated: 2022-10-01. Review status: criteria provided, single submitter. Criteria: CeGaT Center For Human Genetics Tuebingen Variant Classification Criteria Version 2. Collection method: clinical testing. Allele origin: germline. Affected: yes. Observed: 1 variant allele.
Comment: ABCA7: BP4, BP7

NM_019112.4(ABCA7):c.27G>A (p.Leu9=)

Gene: ABCA7 (ATP binding cassette subfamily A member 7; plus strand). Cytogenetic location: 19p13.3.
Variant type: single nucleotide variant.
Coding change: c.27G>A on transcript NM_019112.4 (MANE Select); coding-DNA position 27, G replaced by A.
Protein change: p.Leu9=; no amino-acid change (leucine 9 retained).
Molecular consequence: synonymous variant.
Genome position (GRCh38, 1-based): chr19:1,041,388, G>A. VCF-style: chr19-1041388-G-A. GRCh37 (hg19) VCF-style: chr19-1041387-G-A.
Identifiers: ClinVar variation 2648886 (VCV002648886.24), dbSNP rs1195694822, ClinGen allele CA504693991.